The following is an entry in ClinVar:

ClinVar aggregate classification (germline): Uncertain significance. Review status: criteria provided, multiple submitters, no conflicts (2 of 4 stars). 2 submissions from 2 submitters: Uncertain significance (2). Last evaluated 2025-05-07.

Conditions:
Hereditary cancer-predisposing syndrome. Also called: Hereditary Cancer Syndrome; Hereditary neoplastic syndrome; Neoplastic Syndromes, Hereditary; Tumor predisposition. Identifiers: Orphanet 140162, MedGen C0027672, MeSH D009386, MONDO:0015356.
Pheochromocytoma. Also called: MAX-Related Hereditary Paraganglioma-Pheochromocytoma Syndrome. Identifiers: Orphanet 29072, MedGen C0031511, MONDO:0008233, OMIM 171300, HP:0002666.
Cowden syndrome 3 (CWS3). Identifiers: Orphanet 201, MedGen CN166604, MONDO:0014045.
Carney-Stratakis syndrome. Also called: PARAGANGLIOMA AND GASTROINTESTINAL STROMAL TUMOR. Identifiers: Orphanet 97286, MedGen C1847319, MONDO:0011740, OMIM 606864.
Paragangliomas with sensorineural hearing loss. Identifiers: MedGen C1868633.

Submissions (2):

Ambry Genetics
Classification: Uncertain significance for Hereditary cancer-predisposing syndrome. Last evaluated: 2025-05-07. Review status: criteria provided, single submitter. Criteria: Ambry Variant Classification Scheme 2023. Collection method: clinical testing. Allele origin: germline.
Comment: The p.A119T variant (also known as c.355G>A), located in coding exon 4 of the SDHD gene, results from a G to A substitution at nucleotide position 355. The alanine at codon 119 is replaced by threonine, an amino acid with similar properties. This amino acid position is not well conserved in available vertebrate species. In addition, the in silico prediction for this alteration is inconclusive. Based on the available evidence, the clinical significance of this variant remains unclear.

Labcorp Genetics (formerly Invitae), Labcorp
Classification: Uncertain significance for Carney-Stratakis syndrome; Paragangliomas with sensorineural hearing loss; Pheochromocytoma; Cowden syndrome 3. Last evaluated: 2024-11-18. Review status: criteria provided, single submitter. Criteria: Invitae Variant Classification Sherloc (09022015). Collection method: clinical testing. Allele origin: germline.
Comment: This sequence change replaces alanine, which is neutral and non-polar, with threonine, which is neutral and polar, at codon 119 of the SDHD protein (p.Ala119Thr). This variant is not present in population databases (gnomAD no frequency). This variant has not been reported in the literature in individuals affected with SDHD-related conditions. Invitae Evidence Modeling of protein sequence and biophysical properties (such as structural, functional, and spatial information, amino acid conservation, physicochemical variation, residue mobility, and thermodynamic stability) indicates that this missense variant is not expected to disrupt SDHD protein function with a negative predictive value of 95%. In summary, the available evidence is currently insufficient to determine the role of this variant in disease. Therefore, it has been classified as a Variant of Uncertain Significance.

NM_003002.4(SDHD):c.355G>A (p.Ala119Thr)

Gene: SDHD (succinate dehydrogenase complex subunit D; plus strand). Cytogenetic location: 11q23.1.
Variant type: single nucleotide variant.
Coding change: c.355G>A on transcript NM_003002.4 (MANE Select); coding-DNA position 355, G replaced by A.
Protein change: p.Ala119Thr; replaces alanine 119 with threonine.
Molecular consequence: missense variant. On other transcripts: 3 prime UTR variant (1), non-coding transcript variant (1).
Genome position (GRCh38, 1-based): chr11:112,094,845, G>A. VCF-style: chr11-112094845-G-A. GRCh37 (hg19) VCF-style: chr11-111965569-G-A.
Other names: c.355G>A (NM_003002.2); c.210G>A, p.Met70Ile (NM_001276503.2); c.238G>A, p.Ala80Thr (NM_001276504.2); c.*53G>A (NM_001276506.2); short protein forms A119T, A80T, M70I.
Identifiers: ClinVar variation 3759124 (VCV003759124.3).
Genomic context (GRCh38, chr11:112,094,845, plus strand): 5'-GATTTTTTCTTTTTCTTTAGGGGCCTTGGACAAGTTGTTACTGACTATGTTCATGGGGAT[G>A]CCTTGCAGAAAGCTGCCAAGGCAGGGCTTTTGGCACTTTCAGCTTTAACCTTTGCTGGGC-3'
Protein context (NP_002993.1, residues 109-129): QVVTDYVHGD[Ala119Thr]LQKAAKAGLL